The following is an entry in ClinVar:

NM_024753.5(TTC21B):c.499T>G (p.Tyr167Asp)

Genes: TTC21B (tetratricopeptide repeat domain 21B; minus strand), TTC21B-AS1 (TTC21B antisense RNA 1; plus strand). Cytogenetic location: 2q24.3.
Variant type: single nucleotide variant.
Coding change: c.499T>G on transcript NM_024753.5 (MANE Select); coding-DNA position 499, T replaced by G.
Protein change: p.Tyr167Asp; replaces tyrosine 167 with aspartic acid.
Molecular consequence: missense variant.
Genome position (GRCh38, 1-based): chr2:165,943,272, A>C on the plus strand (T>G on the coding strand, the complement: TTC21B is on the minus strand). VCF-style: chr2-165943272-A-C. GRCh37 (hg19) VCF-style: chr2-166799782-A-C.
Other names: c.499T>G (NM_024753.4, NM_024753.3); short protein forms Y167D.
Identifiers: ClinVar variation 1433696 (VCV001433696.6), dbSNP rs776678493, ClinGen allele CA1942421.

ClinVar aggregate classification (germline): Uncertain significance. Review status: criteria provided, multiple submitters, no conflicts (2 of 4 stars). 3 submissions from 3 submitters: Uncertain significance (2). 1 of the submissions does not count toward it. Last evaluated 2025-12-09.

Conditions:
Nephronophthisis. Also called: Juvenile Nephronophthisis. Identifiers: Orphanet 655, MedGen C0687120, MONDO:0019005, HP:0000090.
Jeune thoracic dystrophy. Also called: Jeune syndrome; Infantile thoracic dystrophy; Thoracic pelvic phalangeal dystrophy; Jeune's syndrome; Chondroectodermal dysplasia-like syndrome; Short-rib thoracic dysplasia. Identifiers: Orphanet 474, MedGen C0265275, MONDO:0018770.
TTC21B-related disorder. Also called: TTC21B-related condition; TTC21B-related disorders.
Inborn genetic diseases. Identifiers: MedGen C0950123, MeSH D030342.

Allele frequency attached by ClinVar (database versions not stated): TOPMed below 0.00001; gnomAD 0.00001; gnomAD exomes 0.00001 and 0.00004; ExAC 0.00003.
gnomAD v4.1: 11 of 1,613,028 alleles (0.00068%); highest among the groups gnomAD compares: East Asian, 0.02%; no homozygotes.

Submissions (3):

Ambry Genetics
Classification: Uncertain significance for Inborn genetic diseases. Last evaluated: 2025-12-09. Review status: criteria provided, single submitter. Criteria: Ambry Variant Classification Scheme 2023. Collection method: clinical testing. Allele origin: germline.

Labcorp Genetics (formerly Invitae), Labcorp
Classification: Uncertain significance for Jeune thoracic dystrophy; Nephronophthisis. Last evaluated: 2022-07-19. Review status: criteria provided, single submitter. Criteria: Invitae Variant Classification Sherloc (09022015). Collection method: clinical testing. Allele origin: germline.
Comment: This sequence change replaces tyrosine, which is neutral and polar, with aspartic acid, which is acidic and polar, at codon 167 of the TTC21B protein (p.Tyr167Asp). This variant is present in population databases (rs776678493, gnomAD 0.05%). This variant has not been reported in the literature in individuals affected with TTC21B-related conditions. ClinVar contains an entry for this variant (Variation ID: 1433696). Algorithms developed to predict the effect of missense changes on protein structure and function (SIFT, PolyPhen-2, Align-GVGD) all suggest that this variant is likely to be tolerated. In summary, the available evidence is currently insufficient to determine the role of this variant in disease. Therefore, it has been classified as a Variant of Uncertain Significance.

PreventionGenetics, part of Exact Sciences
Classification: Uncertain significance for TTC21B-related condition. Last evaluated: 2024-08-07. Review status: no assertion criteria provided. Collection method: clinical testing. Allele origin: germline. Not counted in ClinVar's aggregate classification.
Comment: The TTC21B c.499T>G variant is predicted to result in the amino acid substitution p.Tyr167Asp. To our knowledge, this variant has not been reported in the literature. This variant is reported in 0.043% of alleles in individuals of East Asian descent in gnomAD. At this time, the clinical significance of this variant is uncertain due to the absence of conclusive functional and genetic evidence.